The following is an entry in ClinVar:

ClinVar aggregate classification (germline): Uncertain significance. Review status: criteria provided, multiple submitters, no conflicts (2 of 4 stars). 2 submissions from 2 submitters: Uncertain significance (2). Last evaluated 2025-09-28.

Conditions:
Aicardi-Goutieres syndrome 7 (AGS7). Identifiers: Orphanet 51, MedGen C3888244, MONDO:0014367, OMIM 615846.
Singleton-Merten syndrome 1 (SGMRT1). Also called: Widened medullary cavities of bone, aortic calcification, abnormal dentition, and muscular weakness; Syndrome of widened medullary cavities of the metacarpals and phalanges, aortic calcification and abnormal dentition. Identifiers: Orphanet 85191, MedGen C4225427, MONDO:0024535, OMIM 182250.

Allele frequency attached by ClinVar (database versions not stated): gnomAD 0.00001; gnomAD exomes 0.00001; ExAC 0.00002.
gnomAD v4.1: 22 of 1,613,890 alleles (0.0014%); highest among the groups gnomAD compares: Non-Finnish European, 0.0017%; no homozygotes.

Submissions (2):

Labcorp Genetics (formerly Invitae), Labcorp
Classification: Uncertain significance for Aicardi-Goutieres syndrome 7; Singleton-Merten syndrome 1. Last evaluated: 2025-09-28. Review status: criteria provided, single submitter. Criteria: Invitae Variant Classification Sherloc (09022015). Collection method: clinical testing. Allele origin: germline.
Comment: This sequence change replaces alanine, which is neutral and non-polar, with valine, which is neutral and non-polar, at codon 731 of the IFIH1 protein (p.Ala731Val). This variant is present in population databases (rs766238091, gnomAD 0.002%). This variant has not been reported in the literature in individuals affected with IFIH1-related conditions. ClinVar contains an entry for this variant (Variation ID: 1400024). Invitae Evidence Modeling of protein sequence and biophysical properties (such as structural, functional, and spatial information, amino acid conservation, physicochemical variation, residue mobility, and thermodynamic stability) has been performed for this missense variant. However, the output from this modeling did not meet the statistical confidence thresholds required to predict the impact of this variant on IFIH1 protein function. In summary, the available evidence is currently insufficient to determine the role of this variant in disease. Therefore, it has been classified as a Variant of Uncertain Significance.

Blueprint Genetics
Classification: Uncertain significance. Last evaluated: 2023-08-30. Review status: criteria provided, single submitter. Criteria: ACMG Guidelines, 2015. Collection method: clinical testing. Allele origin: germline.

NM_022168.4(IFIH1):c.2192C>T (p.Ala731Val)

Gene: IFIH1 (interferon induced with helicase C domain 1; minus strand). Cytogenetic location: 2q24.2.
Variant type: single nucleotide variant.
Coding change: c.2192C>T on transcript NM_022168.4 (MANE Select); coding-DNA position 2192, C replaced by T.
Protein change: p.Ala731Val; replaces alanine 731 with valine.
Molecular consequence: missense variant.
Genome position (GRCh38, 1-based): chr2:162,276,799, G>A on the plus strand (C>T on the coding strand, the complement: IFIH1 is on the minus strand). VCF-style: chr2-162276799-G-A. GRCh37 (hg19) VCF-style: chr2-163133309-G-A.
Other names: short protein forms A731V.
Identifiers: ClinVar variation 1400024 (VCV001400024.7), dbSNP rs766238091, ClinGen allele CA1934271.
Genomic context (GRCh38, chr2:162,276,799, plus strand): 5'-GCTTTGACTCCTACTTCAGCAAATTTTTCATTTTCAGTAATCCACTGGGAAAGCGCATAT[G>A]CACTCTGTCGTGTTTTTGTAAAGATTATTCCTCGTGCTGATTCCTCAGTCCTAGTATATT-3'
Protein context (NP_071451.2, residues 721-741): GIIFTKTRQS[Ala731Val]YALSQWITEN